The following is an entry in ClinVar:

ClinVar aggregate classification (germline): Conflicting classifications of pathogenicity. Review status: criteria provided, conflicting classifications (1 of 4 stars). 3 submissions from 3 submitters: Uncertain significance (2); Likely benign (1). Last evaluated 2025-03-25.

Submissions (3):

ARUP Laboratories, Molecular Genetics and Genomics, ARUP Laboratories
Classification: Likely benign. Last evaluated: 2025-03-25. Review status: criteria provided, single submitter. Criteria: ARUP Molecular Germline Variant Investigation Process 2024. Collection method: clinical testing. Allele origin: germline.
Comment: The Hb Handsworth variant (HBA2: c.55G>C; p.Gly19Arg also known as Gly18Arg when numbered from the mature protein, rs63750294, HbVar: 22) is reported in the literature as a stable hemoglobin found in multiple individuals with no clinical abnormalities (see HbVar and references therein). This variant is absent from the Genome Aggregation Database (v2.1.1), indicating it is not a common polymorphism. The glycine at codon 19 is weakly conserved, and computational analyses are uncertain whether this variant is neutral or deleterious (REVEL: 0.573). Based on available information, this variant is considered to be likely benign. References: Link to Hbvar

Women's Health and Genetics/Laboratory Corporation of America, LabCorp
Classification: Uncertain significance. Last evaluated: 2024-11-06. Review status: criteria provided, single submitter. Criteria: LabCorp Variant Classification Summary - May 2015. Collection method: clinical testing. Allele origin: germline.
Comment: Variant summary: HBA2 c.55G>C (p.Gly19Arg) results in a non-conservative amino acid change located in the Hemoglobin alpha, zeta, mu, theta, and related Hb subunits domain (IPR002338) of the encoded protein sequence. Four of five in-silico tools predict a damaging effect of the variant on protein function. The variant was absent in 53364 control chromosomes. The available data on variant occurrences in the general population are insufficient to allow any conclusion about variant significance. c.55G>C has been reported in the literature in an individual showing no clinical abnormalities of Alpha Thalassemia (Griffiths_1977). These report(s) do not provide unequivocal conclusions about association of the variant with Alpha Thalassemia. To our knowledge, no experimental evidence demonstrating an impact on protein function has been reported. The following publication have been ascertained in the context of this evaluation (PMID: 852596). ClinVar contains an entry for this variant (Variation ID: 1330147). Based on the evidence outlined above, the variant was classified as uncertain significance.

Quest Diagnostics Nichols Institute San Juan Capistrano
Classification: Uncertain significance. Last evaluated: 2020-10-06. Review status: criteria provided, single submitter. Criteria: Quest Diagnostics criteria. Collection method: clinical testing. Allele origin: unknown.

Literature cited by the submitters: PubMed 852596 (cited by Women's Health and Genetics/Laboratory Corporation of America, LabCorp and Quest Diagnostics Nichols Institute San Juan Capistrano); PubMed 27207683 (cited by Quest Diagnostics Nichols Institute San Juan Capistrano); PubMed 32597250 (cited by Quest Diagnostics Nichols Institute San Juan Capistrano); PubMed 7216818 (cited by Quest Diagnostics Nichols Institute San Juan Capistrano); PubMed 4030381 (cited by Quest Diagnostics Nichols Institute San Juan Capistrano); PubMed 24165563 (cited by Quest Diagnostics Nichols Institute San Juan Capistrano).

NM_000517.6(HBA2):c.55G>C (p.Gly19Arg)

Genes: HBA2 (hemoglobin subunit alpha 2; plus strand), LOC106804612 (hemoglobin subunit alpha 2 recombination region; plus strand). Cytogenetic location: 16p13.3.
Variant type: single nucleotide variant.
Coding change: c.55G>C on transcript NM_000517.6 (MANE Select); coding-DNA position 55, G replaced by C.
Protein change: p.Gly19Arg; replaces glycine 19 with arginine.
Molecular consequence: missense variant.
Genome position (GRCh38, 1-based): chr16:172,967, G>C. VCF-style: chr16-172967-G-C. GRCh37 (hg19) VCF-style: chr16-222966-G-C.
Other names: short protein forms G19R.
Identifiers: ClinVar variation 1330147 (VCV001330147.6), dbSNP rs63750294, ClinGen allele CA276414398.